The following is an entry in ClinVar:

NM_006206.6(PDGFRA):c.2968G>A (p.Gly990Ser)

Gene: PDGFRA (platelet derived growth factor receptor alpha; plus strand). Cytogenetic location: 4q12.
Variant type: single nucleotide variant.
Coding change: c.2968G>A on transcript NM_006206.6 (MANE Select); coding-DNA position 2968, G replaced by A.
Protein change: p.Gly990Ser; replaces glycine 990 with serine.
Molecular consequence: missense variant.
Genome position (GRCh38, 1-based): chr4:54,290,400, G>A. VCF-style: chr4-54290400-G-A. GRCh37 (hg19) VCF-style: chr4-55156567-G-A.
Other names: c.3043G>A, p.Gly1015Ser (NM_001347828.2); c.2968G>A, p.Gly990Ser (NM_001347829.2); c.3007G>A, p.Gly1003Ser (NM_001347830.2); short protein forms G1003S, G1015S, G990S.
Identifiers: ClinVar variation 5026381 (VCV005026381.1).

ClinVar aggregate classification (germline): Uncertain significance (1 of 4 stars; one submission).

Conditions:
Hereditary cancer-predisposing syndrome. Also called: Neoplastic Syndromes, Hereditary; Tumor predisposition; Hereditary neoplastic syndrome; Hereditary Cancer Syndrome. Identifiers: Orphanet 140162, MedGen C0027672, MeSH D009386, MONDO:0015356.

gnomAD v4.1: 1 of 1,613,678 alleles (0.000062%); highest among the groups gnomAD compares: Non-Finnish European, 0.000085%; no homozygotes.

Submission:

Ambry Genetics
Classification: Uncertain significance for Hereditary cancer-predisposing syndrome. Last evaluated: 2026-07-07. Review status: criteria provided, single submitter. Criteria: Ambry Variant Classification Scheme 2023. Collection method: clinical testing. Allele origin: germline.
Comment: The p.G990S variant (also known as c.2968G>A), located in coding exon 21 of the PDGFRA gene, results from a G to A substitution at nucleotide position 2968. The glycine at codon 990 is replaced by serine, an amino acid with similar properties. This amino acid position is conserved. In addition, the in silico prediction for this alteration is inconclusive. Based on the available evidence, the clinical significance of this variant remains unclear.